The following is an entry in ClinVar:

ClinVar aggregate classification (germline): Uncertain significance. Review status: criteria provided, multiple submitters, no conflicts (2 of 4 stars). 2 submissions from 2 submitters: Uncertain significance (2). Last evaluated 2023-11-03.

Conditions:
Progressive sclerosing poliodystrophy (MTDPS4A). Also called: Alpers-Huttenlocher Syndrome (AHS); Alpers Syndrome; ALPERS PROGRESSIVE INFANTILE POLIODYSTROPHY; Mitochondrial DNA depletion syndrome 4A (Alpers type); ALPERS DIFFUSE DEGENERATION OF CEREBRAL GRAY MATTER WITH HEPATIC CIRRHOSIS; Alpers-Huttenlocher Syndrome. Identifiers: Orphanet 726, MedGen C0205710, MONDO:0008758, OMIM 203700.

Submissions (2):

Labcorp Genetics (formerly Invitae), Labcorp
Classification: Uncertain significance for Progressive sclerosing poliodystrophy. Last evaluated: 2023-11-03. Review status: criteria provided, single submitter. Criteria: Invitae Variant Classification Sherloc (09022015). Collection method: clinical testing. Allele origin: germline.
Comment: This sequence change replaces lysine, which is basic and polar, with asparagine, which is neutral and polar, at codon 981 of the POLG protein (p.Lys981Asn). This variant is not present in population databases (gnomAD no frequency). This variant has not been reported in the literature in individuals affected with POLG-related conditions. ClinVar contains an entry for this variant (Variation ID: 597085). Advanced modeling of protein sequence and biophysical properties (such as structural, functional, and spatial information, amino acid conservation, physicochemical variation, residue mobility, and thermodynamic stability) performed at Invitae indicates that this missense variant is expected to disrupt POLG protein function with a positive predictive value of 95%. In summary, the available evidence is currently insufficient to determine the role of this variant in disease. Therefore, it has been classified as a Variant of Uncertain Significance.

Eurofins Ntd Llc (ga)
Classification: Uncertain significance. Last evaluated: 2018-05-04. Review status: criteria provided, single submitter. Criteria: EGL ClinVar v180209 classification definitions. Collection method: clinical testing. Allele origin: germline. Observed: 1 variant allele, 1 heterozygote.

NM_002693.3(POLG):c.2943G>T (p.Lys981Asn)

Gene: POLG (DNA polymerase gamma, catalytic subunit; minus strand). Cytogenetic location: 15q26.1.
Variant type: single nucleotide variant.
Coding change: c.2943G>T on transcript NM_002693.3 (MANE Select); coding-DNA position 2943, G replaced by T.
Protein change: p.Lys981Asn; replaces lysine 981 with asparagine.
Molecular consequence: missense variant.
Genome position (GRCh38, 1-based): chr15:89,320,804, C>A on the plus strand (G>T on the coding strand, the complement: POLG is on the minus strand). VCF-style: chr15-89320804-C-A. GRCh37 (hg19) VCF-style: chr15-89864035-C-A.
Other names: c.2943G>T, p.Lys981Asn (NM_001126131.2); short protein forms K981N.
Identifiers: ClinVar variation 597085 (VCV000597085.8), dbSNP rs1567186502, ClinGen allele CA393752207.